The following is an entry in ClinVar:

NM_000435.3(NOTCH3):c.1720T>C (p.Tyr574His)

Gene: NOTCH3 (notch receptor 3; minus strand). Cytogenetic location: 19p13.12.
Variant type: single nucleotide variant.
Coding change: c.1720T>C on transcript NM_000435.3 (MANE Select); coding-DNA position 1720, T replaced by C.
Protein change: p.Tyr574His; replaces tyrosine 574 with histidine.
Molecular consequence: missense variant.
Genome position (GRCh38, 1-based): chr19:15,187,225, A>G on the plus strand (T>C on the coding strand, the complement: NOTCH3 is on the minus strand). VCF-style: chr19-15187225-A-G. GRCh37 (hg19) VCF-style: chr19-15298036-A-G.
Other names: short protein forms Y574H.
Identifiers: ClinVar variation 1495544 (VCV001495544.8), dbSNP rs1358697792, ClinGen allele CA404525111.
Genomic context (GRCh38, chr19:15,187,225, plus strand): 5'-CATGGCGGCAGGGCTGGCTGCGGCATTCGTCCACCTGGCTCTCGCAGCGTGTGCCCGTGT[A>G]GCCAGGAGCACAGGCACATGAGAAGCTGGCGATGCCATCCACGCAGCGACCATGGTGGCA-3'
Protein context (NP_000426.2, residues 564-584): ASFSCACAPG[Tyr574His]TGTRCESQVD

ClinVar aggregate classification (germline): Uncertain significance (1 of 4 stars; one submission).

Allele frequency attached by ClinVar (database versions not stated): gnomAD exomes below 0.00001.

Submission:

Labcorp Genetics (formerly Invitae), Labcorp
Classification: Uncertain significance. Last evaluated: 2021-01-27. Review status: criteria provided, single submitter. Criteria: Invitae Variant Classification Sherloc (09022015). Collection method: clinical testing. Allele origin: germline.
Comment: In summary, the available evidence is currently insufficient to determine the role of this variant in disease. Therefore, it has been classified as a Variant of Uncertain Significance. Advanced modeling of protein sequence and biophysical properties (such as structural, functional, and spatial information, amino acid conservation, physicochemical variation, residue mobility, and thermodynamic stability) performed at Invitae indicates that this missense variant is not expected to disrupt NOTCH3 protein function. This variant has not been reported in the literature in individuals with NOTCH3-related conditions. This variant is not present in population databases (ExAC no frequency). This sequence change replaces tyrosine with histidine at codon 574 of the NOTCH3 protein (p.Tyr574His). The tyrosine residue is highly conserved and there is a moderate physicochemical difference between tyrosine and histidine.